The following is an entry in ClinVar:

NM_201384.3(PLEC):c.9220G>A (p.Ala3074Thr)

Gene: PLEC (plectin; minus strand). Cytogenetic location: 8q24.3.
Variant type: single nucleotide variant.
Coding change: c.9220G>A on transcript NM_201384.3 (MANE Select); coding-DNA position 9220, G replaced by A.
Protein change: p.Ala3074Thr; replaces alanine 3074 with threonine.
Molecular consequence: missense variant.
Genome position (GRCh38, 1-based): chr8:143,920,601, C>T on the plus strand (G>A on the coding strand, the complement: PLEC is on the minus strand). VCF-style: chr8-143920601-C-T. GRCh37 (hg19) VCF-style: chr8-144994769-C-T.
Other names: c.9301G>A, p.Ala3101Thr (NM_000445.5); c.9178G>A, p.Ala3060Thr (NM_201378.4); c.9154G>A, p.Ala3052Thr (NM_201379.3); c.9631G>A, p.Ala3211Thr (NM_201380.4); c.9124G>A, p.Ala3042Thr (NM_201381.3); c.9220G>A, p.Ala3074Thr (NM_201382.4); c.9232G>A, p.Ala3078Thr (NM_201383.3); c.9301G>A (NM_000445.3); short protein forms A3060T, A3078T, A3042T, A3052T, A3074T, A3101T, A3211T.
Identifiers: ClinVar variation 471670 (VCV000471670.14), dbSNP rs369807832, ClinGen allele CA4925033.

ClinVar aggregate classification (germline): Conflicting classifications of pathogenicity. Review status: criteria provided, conflicting classifications (1 of 4 stars). 4 submissions from 4 submitters: Uncertain significance (3); Likely benign (1). Last evaluated 2025-07-27.

Conditions:
Autosomal recessive limb-girdle muscular dystrophy type 2Q (LGMDR17). Also called: MUSCULAR DYSTROPHY, LIMB-GIRDLE, AUTOSOMAL RECESSIVE 17. Identifiers: Orphanet 254361, MedGen C3150989, MONDO:0013390, OMIM 613723.
Epidermolysis bullosa simplex 5C, with pyloric atresia (EBS5C). Also called: PLEC-Related Epidermolysis Bullosa with Pyloric Atresia; Epidermolysis bullosa simplex with pyloric atresia; PLEC1-Related Epidermolysis Bullosa with Pyloric Atresia. Identifiers: Orphanet 158684, MedGen C2677349, MONDO:0012807, OMIM 612138.
Epidermolysis bullosa simplex, Ogna type (EBS5A). Also called: Pidermolysis bullosa simplex 5A, Ogna type; EPIDERMOLYSIS BULLOSA SIMPLEX 5A, OGNA TYPE. Identifiers: Orphanet 79401, MedGen C0432317, MONDO:0007555, OMIM 131950.
Epidermolysis bullosa simplex 5B, with muscular dystrophy (EBS5B). Also called: EPIDERMOLYSIS BULLOSA SIMPLEX AND LIMB-GIRDLE MUSCULAR DYSTROPHY; Epidermolysis bullosa simplex with muscular dystrophy. Identifiers: Orphanet 257, MedGen C2931072, MONDO:0009181, OMIM 226670.
Epidermolysis bullosa simplex with nail dystrophy (EBS5D). Identifiers: MedGen C4225309, MONDO:0014661, OMIM 616487.
Inborn genetic diseases. Identifiers: MedGen C0950123, MeSH D030342.

Allele frequency attached by ClinVar (database versions not stated): gnomAD 0.00004 and 0.00005; gnomAD exomes 0.00007 and 0.00014; ESP Exome Variant Server 0.00008; TOPMed 0.00011; ExAC 0.00015; 1000 Genomes Project 30x 0.00016; 1000 Genomes Project 0.00020.
gnomAD v4.1: 106 of 1,609,366 alleles (0.0066%); highest among the groups gnomAD compares: East Asian, 0.12%; no homozygotes.

Submissions (4):

Labcorp Genetics (formerly Invitae), Labcorp
Classification: Uncertain significance for Autosomal recessive limb-girdle muscular dystrophy type 2Q; Epidermolysis bullosa simplex, Ogna type; Epidermolysis bullosa simplex with nail dystrophy; Epidermolysis bullosa simplex 5C, with pyloric atresia; Epidermolysis bullosa simplex 5B, with muscular dystrophy. Last evaluated: 2025-07-27. Review status: criteria provided, single submitter. Criteria: Invitae Variant Classification Sherloc (09022015). Collection method: clinical testing. Allele origin: germline.
Comment: This sequence change replaces alanine, which is neutral and non-polar, with threonine, which is neutral and polar, at codon 3101 of the PLEC protein (p.Ala3101Thr). This variant is present in population databases (rs369807832, gnomAD 0.2%). This variant has not been reported in the literature in individuals affected with PLEC-related conditions. ClinVar contains an entry for this variant (Variation ID: 471670). An algorithm developed to predict the effect of missense changes on protein structure and function outputs the following: PolyPhen-2: "Benign". The threonine amino acid residue is found in multiple mammalian species, which suggests that this missense change does not adversely affect protein function. In summary, the available evidence is currently insufficient to determine the role of this variant in disease. Therefore, it has been classified as a Variant of Uncertain Significance.

Revvity Omics, Revvity
Classification: Uncertain significance. Last evaluated: 2025-02-25. Review status: criteria provided, single submitter. Criteria: ACMG Guidelines, 2015. Collection method: clinical testing. Allele origin: germline.

Blueprint Genetics
Classification: Likely benign. Last evaluated: 2024-03-05. Review status: criteria provided, single submitter. Criteria: ACMG Guidelines, 2015. Collection method: clinical testing. Allele origin: germline.

Ambry Genetics
Classification: Uncertain significance for Inborn genetic diseases. Last evaluated: 2022-07-26. Review status: criteria provided, single submitter. Criteria: Ambry Variant Classification Scheme 2023. Collection method: clinical testing. Allele origin: germline.